The following is an entry in ClinVar:

ClinVar aggregate classification (germline): Uncertain significance (1 of 4 stars; one submission).

Allele frequency attached by ClinVar (database versions not stated): gnomAD exomes below 0.00001.
gnomAD v4.1: 2 of 1,613,974 alleles (0.00012%); highest among the groups gnomAD compares: Middle Eastern, 0.016%; no homozygotes.

Submission:

Ambry Genetics
Classification: Uncertain significance. Last evaluated: 2024-05-10. Review status: criteria provided, single submitter. Criteria: Ambry Variant Classification Scheme 2023. Collection method: clinical testing. Allele origin: germline.
Comment: The p.P309L variant (also known as c.926C>T), located in coding exon 3 of the TERF2IP gene, results from a C to T substitution at nucleotide position 926. The proline at codon 309 is replaced by leucine, an amino acid with similar properties. This amino acid position is conserved. In addition, this alteration is predicted to be tolerated by in silico analysis. Since supporting evidence is limited at this time, the clinical significance of this alteration remains unclear.

NM_018975.4(TERF2IP):c.926C>T (p.Pro309Leu)

Gene: TERF2IP (TERF2 interacting protein; plus strand). Cytogenetic location: 16q23.1.
Variant type: single nucleotide variant.
Coding change: c.926C>T on transcript NM_018975.4 (MANE Select); coding-DNA position 926, C replaced by T.
Protein change: p.Pro309Leu; replaces proline 309 with leucine.
Molecular consequence: missense variant. On other transcripts: non-coding transcript variant (1).
Genome position (GRCh38, 1-based): chr16:75,656,337, C>T. VCF-style: chr16-75656337-C-T. GRCh37 (hg19) VCF-style: chr16-75690235-C-T.
Other names: short protein forms P309L.
Identifiers: ClinVar variation 1766390 (VCV001766390.3), dbSNP rs76657822, ClinGen allele CA284339945.